The following is an entry in ClinVar:

ClinVar aggregate classification (germline): Uncertain significance (1 of 4 stars; one submission).

Conditions:
Dyskeratosis congenita. Identifiers: Orphanet 1775, MedGen C0265965, MONDO:0015780.

Submission:

Labcorp Genetics (formerly Invitae), Labcorp
Classification: Uncertain significance for Dyskeratosis congenita. Last evaluated: 2023-12-27. Review status: criteria provided, single submitter. Criteria: Invitae Variant Classification Sherloc (09022015). Collection method: clinical testing. Allele origin: germline.
Comment: This sequence change replaces valine, which is neutral and non-polar, with leucine, which is neutral and non-polar, at codon 1111 of the CTC1 protein (p.Val1111Leu). This variant is not present in population databases (gnomAD no frequency). This variant has not been reported in the literature in individuals affected with CTC1-related conditions. ClinVar contains an entry for this variant (Variation ID: 646732). Advanced modeling of protein sequence and biophysical properties (such as structural, functional, and spatial information, amino acid conservation, physicochemical variation, residue mobility, and thermodynamic stability) performed at Invitae indicates that this missense variant is not expected to disrupt CTC1 protein function with a negative predictive value of 80%. In summary, the available evidence is currently insufficient to determine the role of this variant in disease. Therefore, it has been classified as a Variant of Uncertain Significance.

NM_025099.6(CTC1):c.3331G>C (p.Val1111Leu)

Gene: CTC1 (CST telomere replication complex component 1; minus strand). Cytogenetic location: 17p13.1.
Variant type: single nucleotide variant.
Coding change: c.3331G>C on transcript NM_025099.6 (MANE Select); coding-DNA position 3331, G replaced by C.
Protein change: p.Val1111Leu; replaces valine 1111 with leucine.
Molecular consequence: missense variant. On other transcripts: non-coding transcript variant (1).
Genome position (GRCh38, 1-based): chr17:8,228,783, C>G on the plus strand (G>C on the coding strand, the complement: CTC1 is on the minus strand). VCF-style: chr17-8228783-C-G. GRCh37 (hg19) VCF-style: chr17-8132101-C-G.
Other names: short protein forms V1111L.
Identifiers: ClinVar variation 646732 (VCV000646732.8), dbSNP rs374284337, ClinGen allele CA397969218.